The following is an entry in ClinVar:

NM_001372.4(DNAH9):c.11066T>C (p.Met3689Thr)

Gene: DNAH9 (dynein axonemal heavy chain 9; plus strand). Cytogenetic location: 17p12.
Variant type: single nucleotide variant.
Coding change: c.11066T>C on transcript NM_001372.4 (MANE Select); coding-DNA position 11066, T replaced by C.
Protein change: p.Met3689Thr; replaces methionine 3689 with threonine.
Molecular consequence: missense variant. On other transcripts: initiator codon variant (1).
Genome position (GRCh38, 1-based): chr17:11,886,919, T>C. VCF-style: chr17-11886919-T-C. GRCh37 (hg19) VCF-style: chr17-11790236-T-C.
Other names: c.2T>C, p.Met1Thr (NM_004662.2); short protein forms M1T, M3689T.
Identifiers: ClinVar variation 1955050 (VCV001955050.6), dbSNP rs2544826283, ClinGen allele CA398199104.
Genomic context (GRCh38, chr17:11,886,919, plus strand): 5'-ACGAGGCCCGAGAGCACTACCGGCCAGCAGCTGCCAGGGCCTCACTGCTCTACTTCATCA[T>C]GAACGACCTCAGCAAGATCCATCCAATGTACCAGTTTTCTCTCAAGGTGACTTACACCTG-3'
Protein context (NP_001363.2, residues 3679-3699): AARASLLYFI[Met3689Thr]NDLSKIHPMY

ClinVar aggregate classification (germline): Uncertain significance (1 of 4 stars; one submission).

Submission:

Labcorp Genetics (formerly Invitae), Labcorp
Classification: Uncertain significance. Last evaluated: 2022-07-12. Review status: criteria provided, single submitter. Criteria: Invitae Variant Classification Sherloc (09022015). Collection method: clinical testing. Allele origin: germline.
Comment: This sequence change replaces methionine, which is neutral and non-polar, with threonine, which is neutral and polar, at codon 3689 of the DNAH9 protein (p.Met3689Thr). This variant is not present in population databases (gnomAD no frequency). This variant has not been reported in the literature in individuals affected with DNAH9-related conditions. Algorithms developed to predict the effect of missense changes on protein structure and function are either unavailable or do not agree on the potential impact of this missense change (SIFT: "Deleterious"; PolyPhen-2: "Benign"; Align-GVGD: "Class C0"). In summary, the available evidence is currently insufficient to determine the role of this variant in disease. Therefore, it has been classified as a Variant of Uncertain Significance.